The following is an entry in ClinVar:

NM_001267052.2(UNC45B):c.251G>T (p.Cys84Phe)

Gene: UNC45B (unc-45 myosin chaperone B; plus strand). Cytogenetic location: 17q12.
Variant type: single nucleotide variant.
Coding change: c.251G>T on transcript NM_001267052.2 (MANE Select); coding-DNA position 251, G replaced by T.
Protein change: p.Cys84Phe; replaces cysteine 84 with phenylalanine.
Molecular consequence: missense variant.
Genome position (GRCh38, 1-based): chr17:35,150,093, G>T. VCF-style: chr17-35150093-G-T. GRCh37 (hg19) VCF-style: chr17-33477112-G-T.
Other names: c.251G>T (NM_173167.2); c.251G>T, p.Cys84Phe (NM_001033576.2, NM_001308281.1, NM_173167.3); short protein forms C84F.
Identifiers: ClinVar variation 3352086 (VCV003352086.4).

ClinVar aggregate classification (germline): Uncertain significance. Review status: criteria provided, multiple submitters, no conflicts (2 of 4 stars). 3 submissions from 3 submitters: Uncertain significance (2). 1 of the submissions does not count toward it. Last evaluated 2025-12-30.

Conditions:
Inborn genetic diseases. Identifiers: MedGen C0950123, MeSH D030342.
UNC45B-related disorder. Also called: UNC45B-related condition.

gnomAD v4.1: 40 of 1,613,168 alleles (0.0025%); highest among the groups gnomAD compares: African/African-American, 0.041%; no homozygotes.

Submissions (3):

Dasa
Classification: Uncertain significance. Last evaluated: 2025-12-30. Review status: criteria provided, single submitter. Criteria: DASA Assertion Criteria. Collection method: clinical testing. Allele origin: germline.
Comment: NM_001267052.2(UNC45B):c.251G>T (p.Cys84Phe) is a missense variant that results in the substitution of cysteine with phenylalanine. This variant has been observed in affected individuals with UNC45B-related disorders. Also, this variant is rare in population databases. The currently available literature and clinical evidence are not sufficient to establish a definitive association between this variant and the reported condition. Therefore, this variant is classified as a variant of uncertain significance.

Ambry Genetics
Classification: Uncertain significance for Inborn genetic diseases. Last evaluated: 2025-01-27. Review status: criteria provided, single submitter. Criteria: Ambry Variant Classification Scheme 2023. Collection method: clinical testing. Allele origin: germline.

PreventionGenetics, part of Exact Sciences
Classification: Uncertain significance for UNC45B-related condition. Last evaluated: 2024-05-14. Review status: no assertion criteria provided. Collection method: clinical testing. Allele origin: germline. Not counted in ClinVar's aggregate classification.
Comment: The UNC45B c.251G>T variant is predicted to result in the amino acid substitution p.Cys84Phe. To our knowledge, this variant has not been reported in the literature. This variant is reported in 0.040% of alleles in individuals of African descent in gnomAD. At this time, the clinical significance of this variant is uncertain due to the absence of conclusive functional and genetic evidence.